The following is an entry in ClinVar:

ClinVar aggregate classification (germline): Uncertain significance (1 of 4 stars; one submission).

Conditions:
Leber congenital amaurosis 2 (LCA2). Also called: AMAUROSIS CONGENITA OF LEBER II; Autosomal Recessive RPE65-Related Retinal Degeneration. Identifiers: Orphanet 65, MedGen C1859844, MONDO:0008765, OMIM 204100. Disease mechanism: loss of function.
Retinitis pigmentosa 20 (RP20). Identifiers: Orphanet 791, MedGen C3151086, MONDO:0013425, OMIM 613794.

gnomAD v4.1: 2 of 1,614,074 alleles (0.00012%); highest among the groups gnomAD compares: Non-Finnish European, 0.00017%; no homozygotes.

Submission:

Labcorp Genetics (formerly Invitae), Labcorp
Classification: Uncertain significance for Leber congenital amaurosis 2; Retinitis pigmentosa 20. Last evaluated: 2025-09-25. Review status: criteria provided, single submitter. Criteria: Invitae Variant Classification Sherloc (09022015). Collection method: clinical testing. Allele origin: germline.
Comment: This sequence change replaces methionine, which is neutral and non-polar, with valine, which is neutral and non-polar, at codon 285 of the RPE65 protein (p.Met285Val). This variant is not present in population databases (gnomAD no frequency). This variant has not been reported in the literature in individuals affected with RPE65-related conditions. Invitae Evidence Modeling of protein sequence and biophysical properties (such as structural, functional, and spatial information, amino acid conservation, physicochemical variation, residue mobility, and thermodynamic stability) indicates that this missense variant is not expected to disrupt RPE65 protein function with a negative predictive value of 80%. In summary, the available evidence is currently insufficient to determine the role of this variant in disease. Therefore, it has been classified as a Variant of Uncertain Significance.

NM_000329.3(RPE65):c.853A>G (p.Met285Val)

Gene: RPE65 (retinoid isomerohydrolase RPE65; minus strand). Cytogenetic location: 1p31.3.
Variant type: single nucleotide variant.
Coding change: c.853A>G on transcript NM_000329.3 (MANE Select); coding-DNA position 853, A replaced by G.
Protein change: p.Met285Val; replaces methionine 285 with valine.
Molecular consequence: missense variant.
Genome position (GRCh38, 1-based): chr1:68,439,196, T>C on the plus strand (A>G on the coding strand, the complement: RPE65 is on the minus strand). VCF-style: chr1-68439196-T-C. GRCh37 (hg19) VCF-style: chr1-68904879-T-C.
Other names: c.745A>G, p.Met249Val (NM_001406853.1); c.577A>G, p.Met193Val (NM_001406856.1, NM_001406857.1); c.853A>G, p.Met285Val (NM_001406859.1); short protein forms M193V, M249V, M285V.
Identifiers: ClinVar variation 4782350 (VCV004782350.1).